The following is an entry in ClinVar:

NM_000722.4(CACNA2D1):c.969T>A (p.Asn323Lys)

Gene: CACNA2D1 (calcium voltage-gated channel auxiliary subunit alpha2delta 1; minus strand). Cytogenetic location: 7q21.11.
Variant type: single nucleotide variant.
Coding change: c.969T>A on transcript NM_000722.4 (MANE Select); coding-DNA position 969, T replaced by A.
Protein change: p.Asn323Lys; replaces asparagine 323 with lysine.
Molecular consequence: missense variant.
Genome position (GRCh38, 1-based): chr7:82,038,146, A>T on the plus strand (T>A on the coding strand, the complement: CACNA2D1 is on the minus strand). VCF-style: chr7-82038146-A-T. GRCh37 (hg19) VCF-style: chr7-81667462-A-T.
Other names: c.969T>A, p.Asn323Lys (NM_001366867.1); short protein forms N323K.
Identifiers: ClinVar variation 411091 (VCV000411091.8), dbSNP rs1060503151, ClinGen allele CA16612430.

ClinVar aggregate classification (germline): Uncertain significance (1 of 4 stars; one submission).

Conditions:
Brugada syndrome. Also called: Sudden unexpected nocturnal death syndrome; Sudden Unexplained Death Syndrome; Sudden Unexplained Nocturnal Death Syndrome (SUNDS); Sudden unexplained nocturnal death syndrome. Identifiers: Orphanet 130, MedGen C1142166, MONDO:0015263.

Submission:

Labcorp Genetics (formerly Invitae), Labcorp
Classification: Uncertain significance for Brugada syndrome. Last evaluated: 2022-07-06. Review status: criteria provided, single submitter. Criteria: Invitae Variant Classification Sherloc (09022015). Collection method: clinical testing. Allele origin: germline.
Comment: This sequence change replaces asparagine, which is neutral and polar, with lysine, which is basic and polar, at codon 323 of the CACNA2D1 protein (p.Asn323Lys). In summary, the available evidence is currently insufficient to determine the role of this variant in disease. Therefore, it has been classified as a Variant of Uncertain Significance. Algorithms developed to predict the effect of missense changes on protein structure and function (SIFT, PolyPhen-2, Align-GVGD) all suggest that this variant is likely to be tolerated. ClinVar contains an entry for this variant (Variation ID: 411091). This variant has not been reported in the literature in individuals affected with CACNA2D1-related conditions. This variant is not present in population databases (gnomAD no frequency).